The following is an entry in ClinVar:

ClinVar aggregate classification (germline): Uncertain significance. Review status: criteria provided, multiple submitters, no conflicts (2 of 4 stars). 4 submissions from 4 submitters: Uncertain significance (3). 1 of the submissions does not count toward it. Last evaluated 2024-07-23.

Conditions:
Alstrom syndrome (ALMS). Identifiers: Orphanet 64, MedGen C0268425, MONDO:0008763, OMIM 203800.
Cardiovascular phenotype. Identifiers: MedGen CN230736.

Allele frequency attached by ClinVar (database versions not stated): gnomAD exomes below 0.00001 and 0.00001; ExAC 0.00002; TOPMed 0.00002.
gnomAD v4.1: 6 of 1,614,006 alleles (0.00037%); highest among the groups gnomAD compares: African/African-American, 0.0013%; no homozygotes.

Submissions (4):

Labcorp Genetics (formerly Invitae), Labcorp
Classification: Uncertain significance for Alstrom syndrome. Last evaluated: 2024-07-23. Review status: criteria provided, single submitter. Criteria: Invitae Variant Classification Sherloc (09022015). Collection method: clinical testing. Allele origin: germline.
Comment: This sequence change replaces aspartic acid, which is acidic and polar, with asparagine, which is neutral and polar, at codon 896 of the ALMS1 protein (p.Asp896Asn). This variant is present in population databases (rs756206965, gnomAD 0.003%). This variant has not been reported in the literature in individuals affected with ALMS1-related conditions. ClinVar contains an entry for this variant (Variation ID: 1041419). Experimental studies and prediction algorithms are not available or were not evaluated, and the functional significance of this variant is currently unknown. Algorithms developed to predict the effect of sequence changes on RNA splicing suggest that this variant may create or strengthen a splice site. In summary, the available evidence is currently insufficient to determine the role of this variant in disease. Therefore, it has been classified as a Variant of Uncertain Significance.

Fulgent Genetics
Classification: Uncertain significance for Alstrom syndrome. Last evaluated: 2022-03-06. Review status: criteria provided, single submitter. Criteria: ACMG Guidelines, 2015. Collection method: clinical testing. Allele origin: unknown.

Ambry Genetics
Classification: Uncertain significance for Cardiovascular phenotype. Last evaluated: 2021-06-24. Review status: criteria provided, single submitter. Criteria: Ambry Variant Classification Scheme 2023. Collection method: clinical testing. Allele origin: germline.
Comment: The p.D896N variant (also known as c.2686G>A), located in coding exon 8 of the ALMS1 gene, results from a G to A substitution at nucleotide position 2686. The aspartic acid at codon 896 is replaced by asparagine, an amino acid with highly similar properties. This amino acid position is not well conserved in available vertebrate species, and aspargine is the reference amino acid in other vertebrate species. In addition, this alteration is predicted to be tolerated by in silico analysis. Since supporting evidence is limited at this time, the clinical significance of this alteration remains unclear.

Natera, Inc.
Classification: Uncertain significance for Alstrom syndrome. Last evaluated: 2020-06-26. Review status: no assertion criteria provided. Collection method: clinical testing. Allele origin: germline. Not counted in ClinVar's aggregate classification.

NM_001378454.1(ALMS1):c.2683G>A (p.Asp895Asn)

Gene: ALMS1 (ALMS1 centrosome and basal body associated protein; plus strand). Cytogenetic location: 2p13.1.
Variant type: single nucleotide variant.
Coding change: c.2683G>A on transcript NM_001378454.1 (MANE Select); coding-DNA position 2683, G replaced by A.
Protein change: p.Asp895Asn; replaces aspartic acid 895 with asparagine.
Molecular consequence: missense variant.
Genome position (GRCh38, 1-based): chr2:73,449,210, G>A. VCF-style: chr2-73449210-G-A. GRCh37 (hg19) VCF-style: chr2-73676337-G-A.
Other names: c.2686G>A, p.Asp896Asn (NM_015120.4); short protein forms D895N, D896N.
Identifiers: ClinVar variation 1041419 (VCV001041419.10), dbSNP rs756206965, ClinGen allele CA1713399.